The following is an entry in ClinVar:

NM_144997.7(FLCN):c.1058G>A (p.Arg353Lys)

Gene: FLCN (folliculin; minus strand). Cytogenetic location: 17p11.2.
Variant type: single nucleotide variant.
Coding change: c.1058G>A on transcript NM_144997.7 (MANE Select); coding-DNA position 1058, G replaced by A.
Protein change: p.Arg353Lys; replaces arginine 353 with lysine.
Molecular consequence: missense variant.
Genome position (GRCh38, 1-based): chr17:17,219,023, C>T on the plus strand (G>A on the coding strand, the complement: FLCN is on the minus strand). VCF-style: chr17-17219023-C-T. GRCh37 (hg19) VCF-style: chr17-17122337-C-T.
Other names: c.1112G>A, p.Arg371Lys (NM_001353229.2); c.1058G>A, p.Arg353Lys (NM_001353230.2, NM_001353231.2); short protein forms R353K, R371K.
Identifiers: ClinVar variation 1018205 (VCV001018205.8), dbSNP rs2047006294, ClinGen allele CA398532610.

ClinVar aggregate classification (germline): Uncertain significance. Review status: criteria provided, multiple submitters, no conflicts (2 of 4 stars). 2 submissions from 2 submitters: Uncertain significance (2). Last evaluated 2024-10-30.

Conditions:
Hereditary cancer-predisposing syndrome. Also called: Tumor predisposition; Hereditary Cancer Syndrome; Neoplastic Syndromes, Hereditary; Hereditary neoplastic syndrome. Identifiers: Orphanet 140162, MedGen C0027672, MeSH D009386, MONDO:0015356.
Birt-Hogg-Dube syndrome. Also called: Birt Hogg Dubé syndrome. Identifiers: Orphanet 122, MedGen C0346010, MONDO:0800444.

Submissions (2):

Ambry Genetics
Classification: Uncertain significance for Hereditary cancer-predisposing syndrome. Last evaluated: 2024-10-30. Review status: criteria provided, single submitter. Criteria: Ambry Variant Classification Scheme 2023. Collection method: clinical testing. Allele origin: germline.
Comment: The p.R353K variant (also known as c.1058G>A), located in coding exon 6 of the FLCN gene, results from a G to A substitution at nucleotide position 1058. The arginine at codon 353 is replaced by lysine, an amino acid with highly similar properties. This amino acid position is conserved. In addition, this alteration is predicted to be deleterious by in silico analysis. Since supporting evidence is limited at this time, the clinical significance of this alteration remains unclear.

Labcorp Genetics (formerly Invitae), Labcorp
Classification: Uncertain significance for Birt-Hogg-Dube syndrome. Last evaluated: 2024-01-10. Review status: criteria provided, single submitter. Criteria: Invitae Variant Classification Sherloc (09022015). Collection method: clinical testing. Allele origin: germline.
Comment: This sequence change replaces arginine, which is basic and polar, with lysine, which is basic and polar, at codon 353 of the FLCN protein (p.Arg353Lys). This variant is not present in population databases (gnomAD no frequency). This variant has not been reported in the literature in individuals affected with FLCN-related conditions. ClinVar contains an entry for this variant (Variation ID: 1018205). Advanced modeling of protein sequence and biophysical properties (such as structural, functional, and spatial information, amino acid conservation, physicochemical variation, residue mobility, and thermodynamic stability) performed at Invitae indicates that this missense variant is not expected to disrupt FLCN protein function with a negative predictive value of 80%. In summary, the available evidence is currently insufficient to determine the role of this variant in disease. Therefore, it has been classified as a Variant of Uncertain Significance.